The following is an entry in ClinVar:

ClinVar aggregate classification (germline): Uncertain significance (1 of 4 stars; one submission).

Conditions:
Cardiovascular phenotype. Identifiers: MedGen CN230736.

Submission:

Ambry Genetics
Classification: Uncertain significance for Cardiovascular phenotype. Last evaluated: 2025-12-07. Review status: criteria provided, single submitter. Criteria: Ambry Variant Classification Scheme 2023. Collection method: clinical testing. Allele origin: germline.
Comment: The p.I861N variant (also known as c.2582T>A), located in coding exon 16 of the CBL gene, results from a T to A substitution at nucleotide position 2582. The isoleucine at codon 861 is replaced by asparagine, an amino acid with dissimilar properties. This amino acid position is conserved. In addition, the in silico prediction for this alteration is inconclusive. Based on the available evidence, the clinical significance of this variant remains unclear.

NM_005188.4(CBL):c.2582T>A (p.Ile861Asn)

Gene: CBL (Cbl proto-oncogene; plus strand). Cytogenetic location: 11q23.3.
Variant type: single nucleotide variant.
Coding change: c.2582T>A on transcript NM_005188.4 (MANE Select); coding-DNA position 2582, T replaced by A.
Protein change: p.Ile861Asn; replaces isoleucine 861 with asparagine.
Molecular consequence: missense variant.
Genome position (GRCh38, 1-based): chr11:119,299,642, T>A. VCF-style: chr11-119299642-T-A. GRCh37 (hg19) VCF-style: chr11-119170352-T-A.
Other names: short protein forms I861N.
Identifiers: ClinVar variation 4613893 (VCV004613893.1).